The following is an entry in ClinVar:

NM_006502.3(POLH):c.272+4A>G

Gene: POLH (DNA polymerase eta; plus strand). Cytogenetic location: 6p21.1.
Variant type: single nucleotide variant.
Coding change: c.272+4A>G on transcript NM_006502.3 (MANE Select); 4 bases into the intron after coding-DNA position 272, A replaced by G.
Molecular consequence: intron variant.
Genome position (GRCh38, 1-based): chr6:43,583,145, A>G. VCF-style: chr6-43583145-A-G. GRCh37 (hg19) VCF-style: chr6-43550882-A-G.
Other names: NC_000006.11:g.43550882A>G; c.272+4A>G (NM_001291970.2); c.118+4A>G (NM_001291969.2).
Identifiers: ClinVar variation 911730 (VCV000911730.7), dbSNP rs373430329, ClinGen allele CA3826917.
Genomic context (GRCh38, chr6:43,583,145, plus strand): 5'-TCCAGATCTTCTACTGGCACAAGTTCGTGAGTCCCGTGGGAAAGCTAACCTCACCAAGTA[A>G]GAAAAAAACATTATTTAAGGAGACATAAAGGAGTCGAAAATAATACTCCATGAGGCTAGG-3'

ClinVar aggregate classification (germline): Uncertain significance. Review status: criteria provided, multiple submitters, no conflicts (2 of 4 stars). 2 submissions from 2 submitters: Uncertain significance (2). Last evaluated 2025-06-07.

Conditions:
Xeroderma pigmentosum variant type. Also called: POLH-Related Xeroderma Pigmentosum; PHOTOSENSITIVITY WITH DEFECTIVE DNA SYNTHESIS; XERODERMA PIGMENTOSUM WITH NORMAL DNA REPAIR RATES. Identifiers: Orphanet 90342, MedGen C1848410, MONDO:0010214, OMIM 278750.

Allele frequency attached by ClinVar (database versions not stated): TOPMed 0.00007; gnomAD 0.00008 and 0.00007; gnomAD exomes 0.00011 and 0.00019; ESP Exome Variant Server 0.00008; ExAC 0.00033.
gnomAD v4.1: 177 of 1,613,594 alleles (0.011%); highest among the groups gnomAD compares: Non-Finnish European, 0.014%; no homozygotes.

Submissions (5):

Dasa
Classification: Uncertain significance. Last evaluated: 2025-06-07. Review status: criteria provided, single submitter. Criteria: DASA Assertion Criteria. Collection method: clinical testing. Allele origin: germline.
Comment: NM_006502.3(POLH):c.272+4A>G is a splice-region variant predicted to affect normal RNA splicing. This variant is rare in population databases. Computational prediction algorithms are consistent with a deleterious effect. The currently available literature and clinical evidence are not sufficient to establish a definitive association between this variant and the reported condition. Therefore, this variant is classified as a variant of uncertain significance.

Illumina Laboratory Services, Illumina
Classification: Uncertain significance for Xeroderma pigmentosum variant type. Last evaluated: 2018-01-13. Review status: criteria provided, single submitter. Criteria: ICSL Variant Classification Criteria 13 December 2019. Collection method: clinical testing. Allele origin: germline.

Dr. Peter K. Rogan Lab, Western University
No classification provided (evidence only). Condition: Sarcoma. Review status: no classification provided. Collection method: in vitro. Allele origin: not applicable. Functional consequence: retained intron. Not counted in ClinVar's aggregate classification.

Dr. Peter K. Rogan Lab, Western University
No classification provided (evidence only). Condition: Ovarian serous cystadenocarcinoma. Review status: no classification provided. Collection method: in vitro. Allele origin: not applicable. Functional consequence: retained intron. Not counted in ClinVar's aggregate classification.

Dr. Peter K. Rogan Lab, Western University
No classification provided (evidence only). Condition: Uveal melanoma. Review status: no classification provided. Collection method: in vitro. Allele origin: not applicable. Functional consequence: retained intron. Not counted in ClinVar's aggregate classification.